The following is an entry in ClinVar:

NM_199242.3(UNC13D):c.1215C>G (p.Tyr405Ter)

Gene: UNC13D (unc-13 homolog D; minus strand). Cytogenetic location: 17q25.1.
Variant type: single nucleotide variant.
Coding change: c.1215C>G on transcript NM_199242.3 (MANE Select); coding-DNA position 1215, C replaced by G.
Protein change: p.Tyr405Ter; replaces tyrosine 405 with a stop codon.
Molecular consequence: nonsense.
Genome position (GRCh38, 1-based): chr17:75,836,655, G>C on the plus strand (C>G on the coding strand, the complement: UNC13D is on the minus strand). VCF-style: chr17-75836655-G-C. GRCh37 (hg19) VCF-style: chr17-73832736-G-C.
Other names: short protein forms Y405*.
Identifiers: ClinVar variation 870593 (VCV000870593.4), dbSNP rs143184345, ClinGen allele CA401101075.

ClinVar aggregate classification (germline): Pathogenic (1 of 4 stars; one submission).

Conditions:
Familial hemophagocytic lymphohistiocytosis 3 (FHL3). Also called: UNC13D-Related Familial Hemophagocytic Lymphohistiocytosis (UNC13D-fHLH). Identifiers: Orphanet 540, MedGen C1837174, MONDO:0012146, OMIM 608898.

Submission:

Diagnostics Services (NGS), CSIR - Centre For Cellular And Molecular Biology
Classification: Pathogenic for Familial hemophagocytic lymphohistiocytosis 3. Last evaluated: 2020-03-31. Review status: criteria provided, single submitter. Criteria: ACMG Guidelines, 2015. Collection method: clinical testing. Allele origin: germline. Inheritance: Autosomal recessive inheritance. Affected: no. Observed: 1 heterozygote.
Comment: The c.1215C>G variant is not present in publicly available databases like 1000 Genomes, Exome Variant Server (EVS), Exome Aggregation Consortium (ExAC), Genome Aggregation Database (gnomAD) and dbSNP. The variant is also not present in our in-house exome databases. The variant was earlier reported to Human Genome Mutation Database (HGMD ID: CM114798) in other similarly affected individuals [Zhizhuo et al., Pediatr Blood Cancer 2012]. In-silico pathogenicity prediction programs like MutationTaster2, CADD, InterVar etc. predicted this variant as likely deleterious. All these evidences meets our criteria to classify the variant as pathogenic.